The following is an entry in ClinVar:

NM_014712.3(SETD1A):c.1889C>A (p.Pro630His)

Gene: SETD1A (SET domain containing 1A, histone lysine methyltransferase; plus strand). Cytogenetic location: 16p11.2.
Variant type: single nucleotide variant.
Coding change: c.1889C>A on transcript NM_014712.3 (MANE Select); coding-DNA position 1889, C replaced by A.
Protein change: p.Pro630His; replaces proline 630 with histidine.
Molecular consequence: missense variant.
Genome position (GRCh38, 1-based): chr16:30,965,770, C>A. VCF-style: chr16-30965770-C-A. GRCh37 (hg19) VCF-style: chr16-30977091-C-A.
Other names: short protein forms P630H.
Identifiers: ClinVar variation 1326741 (VCV001326741.3), dbSNP rs1285798496, ClinGen allele CA395656676.

ClinVar aggregate classification (germline): Uncertain significance (1 of 4 stars; one submission).

Submission:

GeneDx
Classification: Uncertain significance. Last evaluated: 2024-09-10. Review status: criteria provided, single submitter. Criteria: GeneDx Variant Classification Process June 2021. Collection method: clinical testing. Allele origin: germline. Affected: yes.
Comment: Not observed at significant frequency in large population cohorts (gnomAD); In silico analysis supports that this missense variant has a deleterious effect on protein structure/function; Has not been previously published as pathogenic or benign to our knowledge